The following is an entry in ClinVar:

ClinVar aggregate classification (germline): Likely benign. Review status: criteria provided, multiple submitters, no conflicts (2 of 4 stars). 3 submissions from 3 submitters: Likely benign (2). 1 of the submissions does not count toward it. Last evaluated 2025-04-22.

Conditions:
CACNB2-related disorder. Also called: CACNB2-related condition.
Brugada syndrome 4 (BRGDA4). Identifiers: Orphanet 130, MedGen C2678477, MONDO:0012743, OMIM 611876.

Allele frequency attached by ClinVar (database versions not stated): ExAC 0.00014; gnomAD exomes 0.00018 and 0.00073; TOPMed 0.00018; 1000 Genomes Project 0.00020; gnomAD 0.00025 and 0.00026.
gnomAD v4.1: 271 of 462,128 alleles (0.059%); highest among the groups gnomAD compares: Non-Finnish European, 0.11%; no homozygotes.

Submissions (3):

PreventionGenetics, part of Exact Sciences
Classification: Likely benign for CACNB2-related condition. Last evaluated: 2025-04-22. Review status: criteria provided, single submitter. Criteria: ACMG Guidelines, 2015. Collection method: clinical testing. Allele origin: germline.
Comment: This variant is classified as likely benign based on ACMG/AMP sequence variant interpretation guidelines (Richards et al. 2015 PMID: 25741868, with internal and published modifications).

Genome Diagnostics Laboratory, University Medical Center Utrecht
Classification: Likely benign for Brugada syndrome 4. Last evaluated: 2015-12-18. Review status: criteria provided, single submitter. Criteria: ACGS Guidelines, 2013. Collection method: clinical testing. Allele origin: germline. Affected: yes. Study: VKGL Data-share Consensus.

Clinical Genetics, Academic Medical Center
Classification: Benign. Review status: no assertion criteria provided. Collection method: clinical testing. Allele origin: germline. Affected: yes. Study: VKGL Data-share Consensus. Not counted in ClinVar's aggregate classification.

NM_201596.3(CACNB2):c.120+366C>G

Gene: CACNB2 (calcium voltage-gated channel auxiliary subunit beta 2; plus strand). Cytogenetic location: 10p12.33.
Variant type: single nucleotide variant.
Coding change: c.120+366C>G on transcript NM_201596.3 (MANE Select); 366 bases into the intron after coding-DNA position 120, C replaced by G.
Molecular consequence: intron variant.
Genome position (GRCh38, 1-based): chr10:18,141,222, C>G. VCF-style: chr10-18141222-C-G. GRCh37 (hg19) VCF-style: chr10-18430151-C-G.
Other names: c.36+7C>G (NM_201572.3, NM_201571.4, NM_001167945.2 and 1 more transcripts); c.120+366C>G (NM_201593.3, NM_201597.3).
Identifiers: ClinVar variation 522254 (VCV000522254.5), dbSNP rs570174364, ClinGen allele CA5429370.